The following is an entry in ClinVar:

ClinVar aggregate classification (germline): Benign. Review status: criteria provided, multiple submitters, no conflicts (2 of 4 stars). 2 submissions from 2 submitters: Benign (2). Last evaluated 2018-06-19.

Allele frequency attached by ClinVar (database versions not stated): gnomAD 0.07530; TOPMed 0.08870; 1000 Genomes Project 30x 0.14241; 1000 Genomes Project 0.14677.
gnomAD v4.1: 34,828 of 600,666 alleles (5.8%); highest among the groups gnomAD compares: East Asian, 36%; 3,270 homozygotes.

Submissions (2):

GeneDx
Classification: Benign. Last evaluated: 2018-06-19. Review status: criteria provided, single submitter. Criteria: GeneDx Variant Classification (06012015). Collection method: clinical testing. Allele origin: germline. Affected: yes.
Comment: This variant is considered likely benign or benign based on one or more of the following criteria: it is a conservative change, it occurs at a poorly conserved position in the protein, it is predicted to be benign by multiple in silico algorithms, and/or has population frequency not consistent with disease.

Breakthrough Genomics
Classification: Benign. Review status: criteria provided, single submitter. Criteria: ACMG Guidelines, 2015. Collection method: not provided. Allele origin: germline. Inheritance: Autosomal recessive inheritance. Affected: yes.

NM_000089.4(COL1A2):c.2674-206C>T

Gene: COL1A2 (collagen type I alpha 2 chain; plus strand). Cytogenetic location: 7q21.3.
Variant type: single nucleotide variant.
Coding change: c.2674-206C>T on transcript NM_000089.4 (MANE Select); 206 bases into the intron before coding-DNA position 2674, C replaced by T.
Molecular consequence: intron variant.
Genome position (GRCh38, 1-based): chr7:94,424,911, C>T. VCF-style: chr7-94424911-C-T. GRCh37 (hg19) VCF-style: chr7-94054223-C-T.
Identifiers: ClinVar variation 678458 (VCV000678458.2), dbSNP rs2072071, ClinGen allele CA162939177.